The following is an entry in ClinVar:

ClinVar aggregate classification (germline): Pathogenic (1 of 4 stars; one submission).

Conditions:
Familial hemophagocytic lymphohistiocytosis 2 (FHL2). Also called: PRF1-Related Familial Hemophagocytic Lymphohistiocytosis (PRF1-fHLH). Identifiers: Orphanet 540, MedGen C1863727, MONDO:0011337, OMIM 603553.

Submission:

Labcorp Genetics (formerly Invitae), Labcorp
Classification: Pathogenic for Familial hemophagocytic lymphohistiocytosis 2. Last evaluated: 2023-11-28. Review status: criteria provided, single submitter. Criteria: Invitae Variant Classification Sherloc (09022015). Collection method: clinical testing. Allele origin: germline.
Comment: This variant, c.894_895delinsTT, is a complex sequence change that results in the deletion of 2 and insertion of 2 amino acid(s) in the PRF1 protein (p.Glu298_Arg299delinsAspCys). Information on the frequency of this variant in the gnomAD database is not available, as this variant may be reported differently in the database. This variant has not been reported in the literature in individuals affected with PRF1-related conditions. Experimental studies and prediction algorithms are not available or were not evaluated, and the functional significance of this variant is currently unknown. This variant disrupts a region of the PRF1 protein in which other variant(s) ((p.Arg299Cys) have been determined to be pathogenic (PMID: 14757862, 32542393; Invitae). This suggests that this is a clinically significant region of the protein, and that variants that disrupt it are likely to be disease-causing. For these reasons, this variant has been classified as Pathogenic.

Literature cited by the submitters: PubMed 14757862; PubMed 32542393.

NM_001083116.3(PRF1):c.894_895delinsTT (p.Glu298_Arg299delinsAspCys)

Gene: PRF1 (perforin 1; minus strand). Cytogenetic location: 10q22.1.
Variant type: Indel.
Coding change: c.894_895delinsTT on transcript NM_001083116.3 (MANE Select); coding-DNA positions 894 to 895, GC replaced by TT.
Protein change: p.Glu298_Arg299delinsAspCys.
Molecular consequence: missense variant.
Genome position (GRCh38, 1-based): chr10:70,598,826-70,598,827, GC replaced by AA on the plus strand (GC replaced by TT on the coding strand, the reverse complement: PRF1 is on the minus strand). VCF-style: chr10-70598826-GC-AA. GRCh37 (hg19) VCF-style: chr10-72358582-GC-AA.
Other names: c.894_895delinsTT, p.Glu298_Arg299delinsAspCys (NM_005041.6).
Identifiers: ClinVar variation 2699541 (VCV002699541.3), dbSNP rs2493484211, ClinGen allele CA2697558426.